The following is an entry in ClinVar:

NM_020163.3(SEMA3G):c.2245_2259del (p.Gln749_Lys753del)

Gene: SEMA3G (semaphorin 3G; minus strand). Cytogenetic location: 3p21.1.
Variant type: Deletion.
Coding change: c.2245_2259del on transcript NM_020163.3 (MANE Select); coding-DNA positions 2245 to 2259, 15 bases deleted (CAGGCCAGGGGCAAG).
Protein change: p.Gln749_Lys753del.
Molecular consequence: inframe deletion.
Genome position (GRCh38, 1-based): chr3:52,435,693-52,435,707, CTTGCCCCTGGCCTG deleted on the plus strand (CAGGCCAGGGGCAAG on the coding strand, the reverse complement: SEMA3G is on the minus strand); deleting any 15 consecutive bases within chr3:52,435,693-52,435,715 gives the same sequence; the c. name uses the placement nearest the transcript's 3' end. VCF-style (leftmost placement, unchanged base first): chr3-52435692-TCTTGCCCCTGGCCTG-T. GRCh37 (hg19) VCF-style: chr3-52469708-TCTTGCCCCTGGCCTG-T.
Identifiers: ClinVar variation 3357722 (VCV003357722.2).

ClinVar aggregate classification (germline): Uncertain significance (1 of 4 stars; one submission).

Conditions:
SEMA3G-related disorder. Also called: SEMA3G-related condition.

Submission:

PreventionGenetics, part of Exact Sciences
Classification: Uncertain significance for SEMA3G-related condition. Last evaluated: 2026-09-04. Review status: criteria provided, single submitter. Criteria: ACMG Guidelines, 2015. Collection method: clinical testing. Allele origin: germline.
Comment: The SEMA3G c.2245_2259del15 variant is predicted to result in an in-frame deletion (p.Gln749_Lys753del). To our knowledge, this variant has not been reported in the literature. This variant is reported in 0.020% of alleles in individuals of Latino descent in gnomAD. At this time, the clinical significance of this variant is uncertain due to the absence of conclusive functional and genetic evidence.